The following is an entry in ClinVar:

NM_002471.4(MYH6):c.2064C>A (p.Asn688Lys)

Gene: MYH6 (myosin heavy chain 6; minus strand). Cytogenetic location: 14q11.2.
Variant type: single nucleotide variant.
Coding change: c.2064C>A on transcript NM_002471.4 (MANE Select); coding-DNA position 2064, C replaced by A.
Protein change: p.Asn688Lys; replaces asparagine 688 with lysine.
Molecular consequence: missense variant.
Genome position (GRCh38, 1-based): chr14:23,397,067, G>T on the plus strand (C>A on the coding strand, the complement: MYH6 is on the minus strand). VCF-style: chr14-23397067-G-T. GRCh37 (hg19) VCF-style: chr14-23866276-G-T.
Other names: c.2064C>A (NM_002471.3); short protein forms N688K.
Identifiers: ClinVar variation 1376992 (VCV001376992.9), dbSNP rs769708956, ClinGen allele CA7115599.

ClinVar aggregate classification (germline): Conflicting classifications of pathogenicity. Review status: criteria provided, conflicting classifications (1 of 4 stars). 4 submissions from 4 submitters: Uncertain significance (3); Likely benign (1). Last evaluated 2025-10-07.

Conditions:
Hypertrophic cardiomyopathy 14. Identifiers: MedGen C2750467, MONDO:0013197, OMIM 613251.
Cardiovascular phenotype. Identifiers: MedGen CN230736.

Allele frequency attached by ClinVar (database versions not stated): gnomAD 0.00001; gnomAD exomes 0.00001 and 0.00002; ExAC 0.00002.
gnomAD v4.1: 17 of 1,614,126 alleles (0.0011%); highest among the groups gnomAD compares: South Asian, 0.0066%; no homozygotes.

Submissions (4):

Women's Health and Genetics/Laboratory Corporation of America, LabCorp
Classification: Uncertain significance. Last evaluated: 2025-10-07. Review status: criteria provided, single submitter. Criteria: LabCorp Variant Classification Summary - May 2015. Collection method: clinical testing. Allele origin: germline.

Labcorp Genetics (formerly Invitae), Labcorp
Classification: Uncertain significance for Hypertrophic cardiomyopathy 14. Last evaluated: 2024-04-23. Review status: criteria provided, single submitter. Criteria: Invitae Variant Classification Sherloc (09022015). Collection method: clinical testing. Allele origin: germline.
Comment: This sequence change replaces asparagine, which is neutral and polar, with lysine, which is basic and polar, at codon 688 of the MYH6 protein (p.Asn688Lys). This variant is present in population databases (rs769708956, gnomAD 0.01%). This variant has not been reported in the literature in individuals affected with MYH6-related conditions. ClinVar contains an entry for this variant (Variation ID: 1376992). Advanced modeling of protein sequence and biophysical properties (such as structural, functional, and spatial information, amino acid conservation, physicochemical variation, residue mobility, and thermodynamic stability) performed at Invitae indicates that this missense variant is not expected to disrupt MYH6 protein function with a negative predictive value of 80%. In summary, the available evidence is currently insufficient to determine the role of this variant in disease. Therefore, it has been classified as a Variant of Uncertain Significance.

Ambry Genetics
Classification: Likely benign for Cardiovascular phenotype. Last evaluated: 2023-12-10. Review status: criteria provided, single submitter. Criteria: Ambry Variant Classification Scheme 2023. Collection method: clinical testing. Allele origin: germline.

Blueprint Genetics
Classification: Uncertain significance. Last evaluated: 2023-07-11. Review status: criteria provided, single submitter. Criteria: ACMG Guidelines, 2015. Collection method: clinical testing. Allele origin: germline.

Literature cited by the submitters: PubMed 31983221 (cited by Ambry Genetics).